The following is an entry in ClinVar:

ClinVar aggregate classification (germline): Conflicting classifications of pathogenicity. Review status: criteria provided, conflicting classifications (1 of 4 stars). 3 submissions from 3 submitters: Uncertain significance (1); Likely benign (1). 1 of the submissions does not count toward it. Last evaluated 2023-12-02.

Conditions:
PKLR-related disorder. Also called: PKLR-related condition.

Allele frequency attached by ClinVar (database versions not stated): gnomAD exomes below 0.00001; TOPMed below 0.00001; gnomAD 0.00001.
gnomAD v4.1: 8 of 1,614,114 alleles (0.0005%); highest among the groups gnomAD compares: African/African-American, 0.0013%; no homozygotes.

Submissions (3):

Labcorp Genetics (formerly Invitae), Labcorp
Classification: Likely benign. Last evaluated: 2023-12-02. Review status: criteria provided, single submitter. Criteria: Invitae Variant Classification Sherloc (09022015). Collection method: clinical testing. Allele origin: germline.

Revvity Omics, Revvity
Classification: Uncertain significance. Last evaluated: 2022-11-23. Review status: criteria provided, single submitter. Criteria: ACMG Guidelines, 2015. Collection method: clinical testing. Allele origin: germline.

PreventionGenetics, part of Exact Sciences
Classification: Likely benign for PKLR-related condition. Last evaluated: 2024-05-29. Review status: no assertion criteria provided. Collection method: clinical testing. Allele origin: germline. Not counted in ClinVar's aggregate classification.
Comment: This variant is classified as likely benign based on ACMG/AMP sequence variant interpretation guidelines (Richards et al. 2015 PMID: 25741868, with internal and published modifications).

NM_000298.6(PKLR):c.1270-5T>G

Gene: PKLR (pyruvate kinase L/R; minus strand). Cytogenetic location: 1q22.
Variant type: single nucleotide variant.
Coding change: c.1270-5T>G on transcript NM_000298.6 (MANE Select); 5 bases into the intron before coding-DNA position 1270, T replaced by G.
Molecular consequence: intron variant.
Genome position (GRCh38, 1-based): chr1:155,293,348, A>C on the plus strand (T>G on the coding strand, the complement: PKLR is on the minus strand). VCF-style: chr1-155293348-A-C. GRCh37 (hg19) VCF-style: chr1-155263139-A-C.
Other names: c.1177-5T>G (NM_181871.4); c.1270-5T>G (NM_000298.5).
Identifiers: ClinVar variation 2434890 (VCV002434890.7), dbSNP rs767981368, ClinGen allele CA526668539.